The following is an entry in ClinVar:

NM_005045.4(RELN):c.3146+5G>A

Gene: RELN (reelin; minus strand). Cytogenetic location: 7q22.1.
Variant type: single nucleotide variant.
Coding change: c.3146+5G>A on transcript NM_005045.4 (MANE Select); 5 bases into the intron after coding-DNA position 3146, G replaced by A.
Molecular consequence: intron variant.
Genome position (GRCh38, 1-based): chr7:103,604,341, C>T on the plus strand (G>A on the coding strand, the complement: RELN is on the minus strand). VCF-style: chr7-103604341-C-T. GRCh37 (hg19) VCF-style: chr7-103244788-C-T.
Other names: c.3146+5G>A (NM_173054.3).
Identifiers: ClinVar variation 1010361 (VCV001010361.6), dbSNP rs1468648706, ClinGen allele CA830800368.

ClinVar aggregate classification (germline): Uncertain significance (1 of 4 stars; one submission).

Conditions:
Norman-Roberts syndrome (LIS2). Also called: Lissencephaly 2 (Norman-Roberts type). Identifiers: Orphanet 89844, MedGen C0796089, MONDO:0009760, OMIM 257320.
Familial temporal lobe epilepsy 7. Identifiers: Orphanet 101046, MedGen C4225327, MONDO:0014639, OMIM 616436.

Allele frequency attached by ClinVar (database versions not stated): gnomAD exomes below 0.00001; TOPMed below 0.00001; gnomAD 0.00001.
gnomAD v4.1: 5 of 1,613,692 alleles (0.00031%); highest among the groups gnomAD compares: Non-Finnish European, 0.00042%; no homozygotes.

Submission:

Labcorp Genetics (formerly Invitae), Labcorp
Classification: Uncertain significance for Familial temporal lobe epilepsy 7; Norman-Roberts syndrome. Last evaluated: 2020-09-21. Review status: criteria provided, single submitter. Criteria: Invitae Variant Classification Sherloc (09022015). Collection method: clinical testing. Allele origin: germline.
Comment: This sequence change falls in intron 23 of the RELN gene. It does not directly change the encoded amino acid sequence of the RELN protein, but it affects a nucleotide within the consensus splice site of the intron. This variant is not present in population databases (ExAC no frequency). This variant has not been reported in the literature in individuals with RELN-related conditions. In summary, the available evidence is currently insufficient to determine the role of this variant in disease. Therefore, it has been classified as a Variant of Uncertain Significance. Nucleotide substitutions within the consensus splice site are a relatively common cause of aberrant splicing (PMID: 17576681, 9536098). Algorithms developed to predict the effect of sequence changes on RNA splicing suggest that this variant may disrupt the consensus splice site, but this prediction has not been confirmed by published transcriptional studies.

Literature cited by the submitters: PubMed 17576681; PubMed 9536098.